The following is an entry in ClinVar:

NM_001042545.2(LTBP4):c.1672G>C (p.Ala558Pro)

Genes: LTBP4 (latent transforming growth factor beta binding protein 4; plus strand), LOC130064476 (ATAC-STARR-seq lymphoblastoid silent region 10640; plus strand). Cytogenetic location: 19q13.2.
Variant type: single nucleotide variant.
Coding change: c.1672G>C on transcript NM_001042545.2 (MANE Select); coding-DNA position 1672, G replaced by C.
Protein change: p.Ala558Pro; replaces alanine 558 with proline.
Molecular consequence: missense variant.
Genome position (GRCh38, 1-based): chr19:40,609,859, G>C. VCF-style: chr19-40609859-G-C. GRCh37 (hg19) VCF-style: chr19-41115765-G-C.
Other names: c.1873G>C, p.Ala625Pro (NM_001042544.1); c.1762G>C, p.Ala588Pro (NM_003573.2); short protein forms A558P, A588P, A625P.
Identifiers: ClinVar variation 1910755 (VCV001910755.8), dbSNP rs2515356466, ClinGen allele CA405936978.

ClinVar aggregate classification (germline): Uncertain significance. Review status: criteria provided, multiple submitters, no conflicts (2 of 4 stars). 3 submissions from 3 submitters: Uncertain significance (3). Last evaluated 2023-08-21.

Conditions:
Inborn genetic diseases. Identifiers: MedGen C0950123, MeSH D030342.

Submissions (3):

Ambry Genetics
Classification: Uncertain significance for Inborn genetic diseases. Last evaluated: 2023-08-21. Review status: criteria provided, single submitter. Criteria: Ambry Variant Classification Scheme 2023. Collection method: clinical testing. Allele origin: germline.

GeneDx
Classification: Uncertain significance. Last evaluated: 2023-07-28. Review status: criteria provided, single submitter. Criteria: GeneDx Variant Classification Process June 2021. Collection method: clinical testing. Allele origin: germline. Affected: yes.
Comment: Has not been previously published as pathogenic or benign to our knowledge; Not observed at significant frequency in large population cohorts (gnomAD); In silico analysis supports that this missense variant does not alter protein structure/function

Labcorp Genetics (formerly Invitae), Labcorp
Classification: Uncertain significance. Last evaluated: 2022-10-13. Review status: criteria provided, single submitter. Criteria: Invitae Variant Classification Sherloc (09022015). Collection method: clinical testing. Allele origin: germline.
Comment: In summary, the available evidence is currently insufficient to determine the role of this variant in disease. Therefore, it has been classified as a Variant of Uncertain Significance. Experimental studies and prediction algorithms are not available or were not evaluated, and the functional significance of this variant is currently unknown. This variant has not been reported in the literature in individuals affected with LTBP4-related conditions. This variant is not present in population databases (gnomAD no frequency). This sequence change replaces alanine, which is neutral and non-polar, with proline, which is neutral and non-polar, at codon 588 of the LTBP4 protein (p.Ala588Pro).